The following is an entry in ClinVar:

NM_022167.4(XYLT2):c.1821G>A (p.Thr607=)

Gene: XYLT2 (xylosyltransferase 2; plus strand). Cytogenetic location: 17q21.33.
Variant type: single nucleotide variant.
Coding change: c.1821G>A on transcript NM_022167.4 (MANE Select); coding-DNA position 1821, G replaced by A.
Protein change: p.Thr607=; no amino-acid change (threonine 607 retained).
Molecular consequence: synonymous variant.
Genome position (GRCh38, 1-based): chr17:50,357,132, G>A. VCF-style: chr17-50357132-G-A. GRCh37 (hg19) VCF-style: chr17-48434493-G-A.
Identifiers: ClinVar variation 732725 (VCV000732725.13), dbSNP rs142950039, ClinGen allele CA8646573.
Genomic context (GRCh38, chr17:50,357,132, plus strand): 5'-CTTGCCGTCCAGCGTGCACCTGTATTTCTATGACGACCATTTCCAGGGCTACCTGGTGAC[G>A]CAGGCGGTGCAGCCCTCAGCCCAGGGGCCGGCAGAGACGCTTGAGATGTGGCTGATGCCC-3'
Protein context (NP_071450.2, residues 597-617): YDDHFQGYLV[Thr607=]QAVQPSAQGP

ClinVar aggregate classification (germline): Likely benign. Review status: criteria provided, multiple submitters, no conflicts (2 of 4 stars). 5 submissions from 5 submitters: Likely benign (5). Last evaluated 2026-02-10.

Conditions:
XYLT2-related disorder. Also called: XYLT2-related condition.

Allele frequency attached by ClinVar (database versions not stated): 1000 Genomes Project 30x 0.00016; 1000 Genomes Project 0.00020; gnomAD 0.00037 and 0.00041; ESP Exome Variant Server 0.00038; gnomAD exomes 0.00038 and 0.00063; TOPMed 0.00041; ExAC 0.00050.
gnomAD v4.1: 965 of 1,613,748 alleles (0.06%); highest among the groups gnomAD compares: Non-Finnish European, 0.077%; 1 homozygote.

Submissions (5):

Women's Health and Genetics/Laboratory Corporation of America, LabCorp
Classification: Likely benign. Last evaluated: 2026-02-10. Review status: criteria provided, single submitter. Criteria: LabCorp Variant Classification Summary - May 2015. Collection method: clinical testing. Allele origin: germline.

Labcorp Genetics (formerly Invitae), Labcorp
Classification: Likely benign. Last evaluated: 2026-01-17. Review status: criteria provided, single submitter. Criteria: Invitae Variant Classification Sherloc (09022015). Collection method: clinical testing. Allele origin: germline.

PreventionGenetics, part of Exact Sciences
Classification: Likely benign for XYLT2-related condition. Last evaluated: 2025-12-19. Review status: criteria provided, single submitter. Criteria: ACMG Guidelines, 2015. Collection method: clinical testing. Allele origin: germline.
Comment: This variant is classified as likely benign based on ACMG/AMP sequence variant interpretation guidelines (Richards et al. 2015 PMID: 25741868, with internal and published modifications).

Blueprint Genetics
Classification: Likely benign. Last evaluated: 2024-05-30. Review status: criteria provided, single submitter. Criteria: ACMG Guidelines, 2015. Collection method: clinical testing. Allele origin: germline.

Breakthrough Genomics
Classification: Likely benign. Review status: criteria provided, single submitter. Criteria: ACMG Guidelines, 2015. Collection method: not provided. Allele origin: germline. Inheritance: Autosomal recessive inheritance. Affected: yes.